The following is an entry in ClinVar:

NM_015294.6(TRIM37):c.1912C>T (p.Gln638Ter)

Gene: TRIM37 (tripartite motif containing 37; minus strand). Cytogenetic location: 17q22.
Variant type: single nucleotide variant.
Coding change: c.1912C>T on transcript NM_015294.6 (MANE Select); coding-DNA position 1912, C replaced by T.
Protein change: p.Gln638Ter; replaces glutamine 638 with a stop codon.
Molecular consequence: nonsense. On other transcripts: non-coding transcript variant (2).
Genome position (GRCh38, 1-based): chr17:59,031,932, G>A on the plus strand (C>T on the coding strand, the complement: TRIM37 is on the minus strand). VCF-style: chr17-59031932-G-A. GRCh37 (hg19) VCF-style: chr17-57109293-G-A.
Other names: c.1912C>T, p.Gln638Ter (NM_001353084.2, NM_001005207.5, NM_001320988.3 and 1 more transcripts); c.1450C>T, p.Gln484Ter (NM_001353085.2); c.1861C>T, p.Gln621Ter (NM_001353086.2); c.1810C>T, p.Gln604Ter (NM_001320987.3, NM_001353082.2); c.1546C>T, p.Gln516Ter (NM_001320990.3); c.1177C>T, p.Gln393Ter (NM_001353083.2); short protein forms Q516*, Q484*, Q621*, Q638*, Q393*, Q604*.
Identifiers: ClinVar variation 3639911 (VCV003639911.2).

ClinVar aggregate classification (germline): Pathogenic (1 of 4 stars; one submission).

gnomAD v4.1: 7 of 1,614,100 alleles (0.00043%); highest among the groups gnomAD compares: Non-Finnish European, 0.00059%; no homozygotes.

Submission:

Labcorp Genetics (formerly Invitae), Labcorp
Classification: Pathogenic. Last evaluated: 2024-02-09. Review status: criteria provided, single submitter. Criteria: Invitae Variant Classification Sherloc (09022015). Collection method: clinical testing. Allele origin: germline.
Comment: This sequence change creates a premature translational stop signal (p.Gln638*) in the TRIM37 gene. It is expected to result in an absent or disrupted protein product. Loss-of-function variants in TRIM37 are known to be pathogenic (PMID: 10888877, 15108285). This variant is not present in population databases (gnomAD no frequency). This variant has not been reported in the literature in individuals affected with TRIM37-related conditions. For these reasons, this variant has been classified as Pathogenic.

Literature cited by the submitters: PubMed 10888877; PubMed 15108285.